The following is an entry in ClinVar:

NM_003235.5(TG):c.4936C>T (p.Arg1646Ter)

Gene: TG (thyroglobulin; plus strand). Cytogenetic location: 8q24.22.
Variant type: single nucleotide variant.
Coding change: c.4936C>T on transcript NM_003235.5 (MANE Select); coding-DNA position 4936, C replaced by T.
Protein change: p.Arg1646Ter; replaces arginine 1646 with a stop codon.
Molecular consequence: nonsense.
Genome position (GRCh38, 1-based): chr8:132,935,759, C>T. VCF-style: chr8-132935759-C-T. GRCh37 (hg19) VCF-style: chr8-133948004-C-T.
Other names: short protein forms R1646*.
Identifiers: ClinVar variation 2984108 (VCV002984108.3), dbSNP rs555316512, ClinGen allele CA4884324.

ClinVar aggregate classification (germline): Pathogenic (1 of 4 stars; one submission).

Allele frequency attached by ClinVar (database versions not stated): gnomAD exomes below 0.00001; ExAC 0.00001; gnomAD 0.00002; TOPMed 0.00002; 1000 Genomes Project 30x 0.00016; 1000 Genomes Project 0.00020.
gnomAD v4.1: 6 of 1,610,546 alleles (0.00037%); highest among the groups gnomAD compares: African/African-American, 0.0067%; no homozygotes.

Submission:

Labcorp Genetics (formerly Invitae), Labcorp
Classification: Pathogenic. Last evaluated: 2023-11-25. Review status: criteria provided, single submitter. Criteria: Invitae Variant Classification Sherloc (09022015). Collection method: clinical testing. Allele origin: germline.
Comment: This sequence change creates a premature translational stop signal (p.Arg1646*) in the TG gene. It is expected to result in an absent or disrupted protein product. Loss-of-function variants in TG are known to be pathogenic (PMID: 19837936, 23164529). This variant is present in population databases (rs555316512, gnomAD 0.006%). This variant has not been reported in the literature in individuals affected with TG-related conditions. Algorithms developed to predict the effect of sequence changes on RNA splicing suggest that this variant may disrupt the consensus splice site. For these reasons, this variant has been classified as Pathogenic.

Literature cited by the submitters: PubMed 19837936; PubMed 23164529.